The following is an entry in ClinVar:

NC_000015.10:g.84816961C>G

Gene: ALPK3 (alpha kinase 3; plus strand). Cytogenetic location: 15q25.3.
Variant type: single nucleotide variant.
Genome position: GRCh38 VCF-style: chr15-84816961-C-G. GRCh37 (hg19) VCF-style: chr15-85360192-C-G.
Identifiers: ClinVar variation 1354197 (VCV001354197.8), dbSNP rs1279216085, ClinGen allele CA393368177.
Genomic context (GRCh38, chr15:84,816,961, plus strand): 5'-GGCGAGGGTCAGTCACGGCTGGTGCCAGGAAGAGGGCTGGTTCTTTGGCTCCCTGGTCTC[C>G]CGCGGTCTAGCCCAAGCTGGCCAGCGGTTGACCTGGCTCCCCTGGCCCCGGCCAGGCCTC-3'

ClinVar aggregate classification (germline): Uncertain significance (1 of 4 stars; one submission).

Allele frequency attached by ClinVar (database versions not stated): TOPMed below 0.00001; gnomAD 0.00001.

Submission:

Labcorp Genetics (formerly Invitae), Labcorp
Classification: Uncertain significance. Last evaluated: 2022-08-22. Review status: criteria provided, single submitter. Criteria: Invitae Variant Classification Sherloc (09022015). Collection method: clinical testing. Allele origin: germline.
Comment: This variant has not been reported in the literature in individuals affected with ALPK3-related conditions. This variant is not present in population databases (gnomAD no frequency). This sequence change replaces proline, which is neutral and non-polar, with alanine, which is neutral and non-polar, at codon 39 of the ALPK3 protein (p.Pro39Ala). ClinVar contains an entry for this variant (Variation ID: 1354197). In summary, the available evidence is currently insufficient to determine the role of this variant in disease. Therefore, it has been classified as a Variant of Uncertain Significance. Algorithms developed to predict the effect of missense changes on protein structure and function (SIFT, PolyPhen-2, Align-GVGD) all suggest that this variant is likely to be tolerated.